The following is an entry in ClinVar:

NM_001080512.3(BICC1):c.2516G>A (p.Arg839His)

Gene: BICC1 (BicC family RNA binding protein 1; plus strand). Cytogenetic location: 10q21.1.
Variant type: single nucleotide variant.
Coding change: c.2516G>A on transcript NM_001080512.3 (MANE Select); coding-DNA position 2516, G replaced by A.
Protein change: p.Arg839His; replaces arginine 839 with histidine.
Molecular consequence: missense variant.
Genome position (GRCh38, 1-based): chr10:58,813,969, G>A. VCF-style: chr10-58813969-G-A. GRCh37 (hg19) VCF-style: chr10-60573729-G-A.
Other names: short protein forms R839H.
Identifiers: ClinVar variation 3596233 (VCV003596233.3).

ClinVar aggregate classification (germline): Uncertain significance. Review status: criteria provided, multiple submitters, no conflicts (2 of 4 stars). 2 submissions from 2 submitters: Uncertain significance (2). Last evaluated 2024-06-28.

Conditions:
Renal dysplasia, cystic, susceptibility to. Identifiers: MedGen C3275898, MONDO:0011037, OMIM 601331.

gnomAD v4.1: 49 of 1,613,862 alleles (0.003%); highest among the groups gnomAD compares: African/African-American, 0.017%; no homozygotes.

Submissions (2):

Labcorp Genetics (formerly Invitae), Labcorp
Classification: Uncertain significance. Last evaluated: 2024-06-28. Review status: criteria provided, single submitter. Criteria: Invitae Variant Classification Sherloc (09022015). Collection method: clinical testing. Allele origin: germline.
Comment: This sequence change replaces arginine, which is basic and polar, with histidine, which is basic and polar, at codon 839 of the BICC1 protein (p.Arg839His). This variant is present in population databases (rs200282277, gnomAD 0.02%). This variant has not been reported in the literature in individuals affected with BICC1-related conditions. An algorithm developed to predict the effect of missense changes on protein structure and function (PolyPhen-2) suggests that this variant is likely to be disruptive. In summary, the available evidence is currently insufficient to determine the role of this variant in disease. Therefore, it has been classified as a Variant of Uncertain Significance.

Fulgent Genetics
Classification: Uncertain significance for Renal dysplasia, cystic, susceptibility to. Last evaluated: 2024-05-31. Review status: criteria provided, single submitter. Criteria: ACMG Guidelines, 2015. Collection method: clinical testing. Allele origin: germline.